The following is an entry in ClinVar:

ClinVar aggregate classification (germline): Likely pathogenic (1 of 4 stars; one submission).

Submission:

Labcorp Genetics (formerly Invitae), Labcorp
Classification: Likely pathogenic. Last evaluated: 2023-01-24. Review status: criteria provided, single submitter. Criteria: Invitae Variant Classification Sherloc (09022015). Collection method: clinical testing. Allele origin: germline.
Comment: In summary, the currently available evidence indicates that the variant is pathogenic, but additional data are needed to prove that conclusively. Therefore, this variant has been classified as Likely Pathogenic. Algorithms developed to predict the effect of sequence changes on RNA splicing suggest that this variant may disrupt the consensus splice site. This variant has not been reported in the literature in individuals affected with CHRNG-related conditions. This variant is not present in population databases (gnomAD no frequency). This sequence change affects an acceptor splice site in intron 10 of the CHRNG gene. It is expected to disrupt RNA splicing. Variants that disrupt the donor or acceptor splice site typically lead to a loss of protein function (PMID: 16199547), and loss-of-function variants in CHRNG are known to be pathogenic (PMID: 16826520).

Literature cited by the submitters: PubMed 16199547; PubMed 16826520.

NM_005199.5(CHRNG):c.1250-2A>C

Genes: TIGD1 (tigger transposable element derived 1; minus strand), CHRNG (cholinergic receptor nicotinic gamma subunit; plus strand). Cytogenetic location: 2q37.1.
Variant type: single nucleotide variant.
Coding change: c.1250-2A>C on transcript NM_005199.5 (MANE Select); the canonical splice acceptor site of the intron before coding-DNA position 1250, A replaced by C.
Molecular consequence: splice acceptor variant. On other transcripts: 3 prime UTR variant (1).
Genome position (GRCh38, 1-based): chr2:232,544,770, A>C. VCF-style: chr2-232544770-A-C. GRCh37 (hg19) VCF-style: chr2-233409480-A-C.
Other names: c.*3337T>G (NM_145702.4).
Identifiers: ClinVar variation 2831485 (VCV002831485.3), dbSNP rs1367224902, ClinGen allele CA351016380.
Genomic context (GRCh38, chr2:232,544,770, plus strand): 5'-CCATCTTCTCTGCCTGTTTCTCCTCCATTCTACTCCCAAACCTTACCCTTTCTCTTTATC[A>C]GAGAAAGGCCCGGAGTTAGGGCTGAGCCAGTTCTGTGGCAGCCTGAAGCAGGCTGCCCCA-3'